The following is an entry in ClinVar:

NM_000256.3(MYBPC3):c.66del (p.Ala23fs)

Gene: MYBPC3 (myosin binding protein C3; minus strand). Cytogenetic location: 11p11.2.
Variant type: Deletion.
Coding change: c.66del on transcript NM_000256.3 (MANE Select); coding-DNA position 66, one base deleted (C; older notation c.66delC).
Protein change: p.Ala23fs; shifts the reading frame from alanine 23.
Molecular consequence: frameshift variant.
Genome position (GRCh38, 1-based): chr11:47,351,465, G deleted on the plus strand (C on the coding strand, the reverse complement: MYBPC3 is on the minus strand); the first of 2 consecutive G bases (chr11:47,351,465-47,351,466); deleting either gives the same sequence. VCF-style (leftmost placement, unchanged base first): chr11-47351464-CG-C. GRCh37 (hg19) VCF-style: chr11-47373015-CG-C.
Other names: short protein forms A23fs.
Identifiers: ClinVar variation 3893944 (VCV003893944.1).

ClinVar aggregate classification (germline): Pathogenic (1 of 4 stars; one submission).

Conditions:
Cardiomyopathy (CMYO). Also called: Cardiomyopathies. Identifiers: Orphanet 167848, MedGen C0878544, MONDO:0004994, HP:0001638. Inheritance: Various modes of inheritance.

Submission:

Color Diagnostics, LLC DBA Color Health
Classification: Pathogenic for Cardiomyopathy. Last evaluated: 2024-06-18. Review status: criteria provided, single submitter. Criteria: ACMG Guidelines, 2015. Collection method: clinical testing. Allele origin: germline.
Comment: This variant deletes 1 nucleotide in exon 2 of the MYBPC3 gene, creating a frameshift and premature translation stop signal. This variant is expected to result in an absent or non-functional protein product. To our knowledge, this variant has not been reported in individuals affected with MYBPC3-related disorders in the literature. This variant has not been identified in the general population by the Genome Aggregation Database (gnomAD). Loss of MYBPC3 function is a known mechanism of disease. Based on the available evidence, this variant is classified as Pathogenic.